The following is an entry in ClinVar:

NM_000426.4(LAMA2):c.8127del (p.Cys2710fs)

Gene: LAMA2 (laminin subunit alpha 2; plus strand). Cytogenetic location: 6q22.33.
Variant type: Deletion.
Coding change: c.8127del on transcript NM_000426.4 (MANE Select); coding-DNA position 8127, one base deleted (C; older notation c.8127delC).
Protein change: p.Cys2710fs; shifts the reading frame from cysteine 2710.
Molecular consequence: frameshift variant.
Genome position (GRCh38, 1-based): chr6:129,492,366, C deleted. VCF-style (leftmost placement, unchanged base first): chr6-129492365-GC-G. GRCh37 (hg19) VCF-style: chr6-129813510-GC-G.
Other names: c.8115del, p.Cys2706fs (NM_001079823.2); short protein forms C2706fs, C2710fs.
Identifiers: ClinVar variation 854117 (VCV000854117.5), dbSNP rs1784914735, ClinGen allele CA916081491.

ClinVar aggregate classification (germline): Pathogenic (1 of 4 stars; one submission).

Conditions:
LAMA2-related muscular dystrophy (LAMA2-RD). Also called: Laminin alpha 2-related dystrophy. Identifiers: MedGen C5679788, MONDO:0100228.

Submission:

Labcorp Genetics (formerly Invitae), Labcorp
Classification: Pathogenic for LAMA2-related muscular dystrophy. Last evaluated: 2021-06-24. Review status: criteria provided, single submitter. Criteria: Invitae Variant Classification Sherloc (09022015). Collection method: clinical testing. Allele origin: germline.
Comment: This sequence change creates a premature translational stop signal (p.Cys2710Valfs*18) in the LAMA2 gene. It is expected to result in an absent or disrupted protein product. This variant is not present in population databases (ExAC no frequency). This variant has not been reported in the literature in individuals with LAMA2-related conditions. Loss-of-function variants in LAMA2 are known to be pathogenic (PMID: 18700894). For these reasons, this variant has been classified as Pathogenic.

Literature cited by the submitters: PubMed 18700894.